The following is an entry in ClinVar:

ClinVar aggregate classification (germline): Likely pathogenic. Review status: criteria provided, multiple submitters, no conflicts (2 of 4 stars). 3 submissions from 3 submitters: Likely pathogenic (3). Last evaluated 2024-05-15.

Conditions:
Fanconi anemia complementation group D2. Also called: FANCD2-Related Fanconi Anemia; FANCONI PANCYTOPENIA, TYPE 4; FANCONI ANEMIA, COMPLEMENTATION GROUP D. Identifiers: Orphanet 84, MedGen C3160738, MONDO:0009214, OMIM 227646.
Fanconi anemia (FA). Also called: Fanconi's anemia. Identifiers: Orphanet 84, MedGen C0015625, MeSH D005199, MONDO:0019391.

Allele frequency attached by ClinVar (database versions not stated): gnomAD 0.00001; gnomAD exomes 0.00001.
gnomAD v4.1: 11 of 1,593,552 alleles (0.00069%); highest among the groups gnomAD compares: Non-Finnish European, 0.00078%; no homozygotes.

Submissions (3):

Fulgent Genetics
Classification: Likely pathogenic for Fanconi anemia complementation group D2. Last evaluated: 2024-05-15. Review status: criteria provided, single submitter. Criteria: ACMG Guidelines, 2015. Collection method: clinical testing. Allele origin: germline.

Baylor Genetics
Classification: Likely pathogenic for Fanconi anemia complementation group D2. Last evaluated: 2024-02-29. Review status: criteria provided, single submitter. Criteria: ACMG Guidelines, 2015. Collection method: clinical testing. Allele origin: unknown.

Labcorp Genetics (formerly Invitae), Labcorp
Classification: Likely pathogenic for Fanconi anemia. Last evaluated: 2024-02-26. Review status: criteria provided, single submitter. Criteria: Invitae Variant Classification Sherloc (09022015). Collection method: clinical testing. Allele origin: germline.
Comment: This sequence change affects a donor splice site in intron 35 of the FANCD2 gene. It is expected to disrupt RNA splicing. Variants that disrupt the donor or acceptor splice site typically lead to a loss of protein function (PMID: 16199547), and loss-of-function variants in FANCD2 are known to be pathogenic (PMID: 17436244). This variant is not present in population databases (gnomAD no frequency). This variant has not been reported in the literature in individuals affected with FANCD2-related conditions. ClinVar contains an entry for this variant (Variation ID: 2041518). Algorithms developed to predict the effect of sequence changes on RNA splicing suggest that this variant may disrupt the consensus splice site. In summary, the currently available evidence indicates that the variant is pathogenic, but additional data are needed to prove that conclusively. Therefore, this variant has been classified as Likely Pathogenic.

Literature cited by the submitters: PubMed 16199547 (cited by Labcorp Genetics (formerly Invitae), Labcorp); PubMed 17436244 (cited by Labcorp Genetics (formerly Invitae), Labcorp).

NM_001018115.3(FANCD2):c.3560+1G>A

Genes: FANCD2 (FA complementation group D2; plus strand), FANCD2OS (FANCD2 opposite strand; minus strand). Cytogenetic location: 3p25.3.
Variant type: single nucleotide variant.
Coding change: c.3560+1G>A on transcript NM_001018115.3 (MANE Select); the canonical splice donor site of the intron after coding-DNA position 3560, G replaced by A.
Molecular consequence: splice donor variant. On other transcripts: intron variant (1).
Genome position (GRCh38, 1-based): chr3:10,088,543, G>A. VCF-style: chr3-10088543-G-A. GRCh37 (hg19) VCF-style: chr3-10130227-G-A.
Other names: c.3560+1G>A (NM_033084.4, NM_001319984.2, NM_033084.6 and 1 more transcripts); c.3449+1G>A (NM_001374253.1); c.*44-7012C>T (NM_173472.2).
Identifiers: ClinVar variation 2041518 (VCV002041518.6), dbSNP rs1007481549, ClinGen allele CA70030497.